The following is an entry in ClinVar:

ClinVar aggregate classification (germline): Uncertain significance. Review status: criteria provided, multiple submitters, no conflicts (2 of 4 stars). 2 submissions from 2 submitters: Uncertain significance (2). Last evaluated 2024-02-05.

Conditions:
Arrhythmogenic cardiomyopathy with wooly hair and keratoderma. Also called: Dilated cardiomyopathy with woolly hair and keratoderma; Arrhythmogenic cardiomyopathy with woolly hair and keratoderma; PALMOPLANTAR KERATODERMA WITH LEFT VENTRICULAR CARDIOMYOPATHY AND WOOLLY HAIR; Carvajal syndrome. Identifiers: Orphanet 65282, MedGen C1854063, MONDO:0011581, OMIM 605676.

Allele frequency attached by ClinVar (database versions not stated): gnomAD exomes below 0.00001.
gnomAD v4.1: 1 of 1,614,188 alleles (0.000062%); highest among the groups gnomAD compares: Non-Finnish European, 0.000085%; no homozygotes.

Submissions (2):

All of Us Research Program, National Institutes of Health
Classification: Uncertain significance for Arrhythmogenic cardiomyopathy with wooly hair and keratoderma. Last evaluated: 2024-02-05. Review status: criteria provided, single submitter. Criteria: ACMG Guidelines, 2015. Collection method: clinical testing. Allele origin: germline. Inheritance: Autosomal dominant inheritance. Observed: 1 variant allele, 1 heterozygote.
Comment: This missense variant replaces valine with alanine at codon 495 of the DSP protein. Computational prediction suggests that this variant may have deleterious impact on protein structure and function (internally defined REVEL score threshold >= 0.7, PMID: 27666373). To our knowledge, functional studies have not been reported for this variant. This variant has been reported in an individual affected with hypertrophic cardiomyopathy who also carried a pathogenic variant in the MYBPC3 gene that could explain the observed phenotype (PMID: 32746448). This variant has not been identified in the general population by the Genome Aggregation Database (gnomAD). The available evidence is insufficient to determine the role of this variant in disease conclusively. Therefore, this variant is classified as a Variant of Uncertain Significance.

This study involves interpretation of variants in research participants for the purpose of population health screening. Participant phenotype was not available at the time of variant classification. Additional details can be found in publication PMID: 35346344, PMCID: PMC8962531

Laboratory for Molecular Medicine, Mass General Brigham Personalized Medicine
Classification: Uncertain significance. Last evaluated: 2013-11-05. Review status: criteria provided, single submitter. Criteria: LMM Criteria. Collection method: clinical testing. Allele origin: germline. Observed: 2 variant alleles.
Comment: The Val495Ala variant in DSP has not been previously reported in any other famil ies with HCM or in large population studies. Computational analyses (biochemical amino acid properties, AlignGVGD, PolyPhen2, and SIFT) do not provide strong su pport for or against an impact to the protein. Additional information is needed to fully assess the clinical significance of the Val495Ala variant.

Literature cited by the submitters: PubMed 32746448 (cited by All of Us Research Program, National Institutes of Health).

NM_004415.4(DSP):c.1484T>C (p.Val495Ala)

Gene: DSP (desmoplakin; plus strand). Cytogenetic location: 6p24.3.
Variant type: single nucleotide variant.
Coding change: c.1484T>C on transcript NM_004415.4 (MANE Select); coding-DNA position 1484, T replaced by C.
Protein change: p.Val495Ala; replaces valine 495 with alanine.
Molecular consequence: missense variant.
Genome position (GRCh38, 1-based): chr6:7,569,250, T>C. VCF-style: chr6-7569250-T-C. GRCh37 (hg19) VCF-style: chr6-7569483-T-C.
Other names: c.1484T>C, p.Val495Ala (NM_001008844.3, NM_001319034.2); short protein forms V495A.
Identifiers: ClinVar variation 178893 (VCV000178893.5), dbSNP rs727504518, ClinGen allele CA004974.